The following is an entry in ClinVar:

ClinVar aggregate classification (germline): Benign (0 of 4 stars; one submission).

Conditions:
HIVEP3-related disorder. Also called: HIVEP3-related condition.

Allele frequency attached by ClinVar (database versions not stated): 1000 Genomes Project 0.00240; 1000 Genomes Project 30x 0.00250; TOPMed 0.00327; ExAC 0.00419; gnomAD 0.00424; ESP Exome Variant Server 0.00446.
gnomAD v4.1: 5,407 of 1,580,220 alleles (0.34%); highest among the groups gnomAD compares: African/African-American, 0.36%; 28 homozygotes.

Submission:

PreventionGenetics, part of Exact Sciences
Classification: Benign for HIVEP3-related condition. Last evaluated: 2019-08-27. Review status: no assertion criteria provided. Collection method: clinical testing. Allele origin: germline.
Comment: This variant is classified as benign based on ACMG/AMP sequence variant interpretation guidelines (Richards et al. 2015 PMID: 25741868, with internal and published modifications).

NM_024503.5(HIVEP3):c.3984G>A (p.Pro1328=)

Gene: HIVEP3 (HIVEP zinc finger 3; minus strand). Cytogenetic location: 1p34.2.
Variant type: single nucleotide variant.
Coding change: c.3984G>A on transcript NM_024503.5 (MANE Select); coding-DNA position 3984, G replaced by A.
Protein change: p.Pro1328=; no amino-acid change (proline 1328 retained).
Molecular consequence: synonymous variant.
Genome position (GRCh38, 1-based): chr1:41,580,814, C>T on the plus strand (G>A on the coding strand, the complement: HIVEP3 is on the minus strand). VCF-style: chr1-41580814-C-T. GRCh37 (hg19) VCF-style: chr1-42046485-C-T.
Other names: c.3984G>A, p.Pro1328= (NM_001127714.3).
Identifiers: ClinVar variation 3035021 (VCV003035021.2), dbSNP rs35784470, ClinGen allele CA797768.